The following is an entry in ClinVar:

NC_000014.8:g.(?_102502896)_(102506050_?)dup

Gene: DYNC1H1 (dynein cytoplasmic 1 heavy chain 1; plus strand). Cytogenetic location: 14q32.31.
Variant type: Duplication.
Identifiers: ClinVar variation 3244022 (VCV003244022.1).

ClinVar aggregate classification (germline): Uncertain significance (1 of 4 stars; one submission).

Conditions:
Charcot-Marie-Tooth disease axonal type 2O. Also called: CHARCOT-MARIE-TOOTH NEUROPATHY, AXONAL, TYPE 2O; CHARCOT-MARIE-TOOTH DISEASE, AXONAL, AUTOSOMAL DOMINANT, TYPE 2O; Charcot-Marie-Tooth Neuropathy Type 2O; Charcot-Marie-Tooth disease, axonal, type 20. Identifiers: Orphanet 284232, MedGen C3280220, MONDO:0013644, OMIM 614228.

Submission:

Labcorp Genetics (formerly Invitae), Labcorp
Classification: Uncertain significance for Charcot-Marie-Tooth disease axonal type 2O. Last evaluated: 2022-12-01. Review status: criteria provided, single submitter. Criteria: Invitae Variant Classification Sherloc (09022015). Collection method: clinical testing. Allele origin: unknown.
Comment: In summary, the available evidence is currently insufficient to determine the role of this variant in disease. Therefore, it has been classified as a Variant of Uncertain Significance. This variant has not been reported in the literature in individuals affected with DYNC1H1-related conditions. This variant results in a copy number gain of the genomic region encompassing exon(s) 58-61 and part of exons 57 and 62 of the DYNC1H1 gene. While the exact position of this variant cannot be determined from the data, sub-genic copy number gains are generally in tandem (PMID: 25640679). This variant is predicted to be out-of-frame, and may result in an absent or disrupted protein product. However, the current clinical and genetic evidence is not sufficient to establish whether loss-of-function variants in DYNC1H1 cause disease.

Literature cited by the submitters: PubMed 25640679.